The following is an entry in ClinVar:

NM_152866.3(MS4A1):c.203del (p.Gly68fs)

Gene: MS4A1 (membrane spanning 4-domains A1; plus strand). Cytogenetic location: 11q12.2.
Variant type: Deletion.
Coding change: c.203del on transcript NM_152866.3 (MANE Select); coding-DNA position 203, one base deleted (G; older notation c.203delG).
Protein change: p.Gly68fs; shifts the reading frame from glycine 68.
Molecular consequence: frameshift variant.
Genome position (GRCh38, 1-based): chr11:60,463,045, G deleted; the last of 6 consecutive G bases (chr11:60,463,040-60,463,045); deleting any one gives the same sequence. VCF-style (leftmost placement, unchanged base first): chr11-60463039-TG-T. GRCh37 (hg19) VCF-style: chr11-60230512-TG-T.
Other names: c.203del, p.Gly68fs (NM_021950.4, NM_152867.2); short protein forms G68fs.
Identifiers: ClinVar variation 3610733 (VCV003610733.2).

ClinVar aggregate classification (germline): Uncertain significance (1 of 4 stars; one submission).

Submission:

Labcorp Genetics (formerly Invitae), Labcorp
Classification: Uncertain significance. Last evaluated: 2024-04-08. Review status: criteria provided, single submitter. Criteria: Invitae Variant Classification Sherloc (09022015). Collection method: clinical testing. Allele origin: germline.
Comment: This sequence change creates a premature translational stop signal (p.Gly68Valfs*3) in the MS4A1 gene. It is expected to result in an absent or disrupted protein product. However, the current clinical and genetic evidence is not sufficient to establish whether loss-of-function variants in MS4A1 cause disease. This variant is not present in population databases (gnomAD no frequency). This variant has not been reported in the literature in individuals affected with MS4A1-related conditions. In summary, the available evidence is currently insufficient to determine the role of this variant in disease. Therefore, it has been classified as a Variant of Uncertain Significance.